The following is an entry in ClinVar:

ClinVar aggregate classification (germline): Conflicting classifications of pathogenicity. Review status: criteria provided, conflicting classifications (1 of 4 stars). 4 submissions from 4 submitters: Uncertain significance (3); Likely benign (1). Last evaluated 2023-03-23.

Conditions:
Hereditary cancer-predisposing syndrome. Also called: Hereditary Cancer Syndrome; Tumor predisposition; Hereditary neoplastic syndrome; Neoplastic Syndromes, Hereditary. Identifiers: Orphanet 140162, MedGen C0027672, MeSH D009386, MONDO:0015356.
Hereditary breast ovarian cancer syndrome. Also called: Hereditary breast and ovarian cancer syndrome (HBOC); Breast and ovarian cancer; Hereditary breast and ovarian cancer syndrome; Hereditary breast and ovarian cancer; Hereditary breast and/or ovarian cancer syndrome; BRCA1- and BRCA2-Associated Hereditary Breast and Ovarian Cancer. Identifiers: Orphanet 145, MedGen C0677776, MeSH D061325, MONDO:0003582. Disease mechanism: loss of function.

Submissions (4):

University of Washington Department of Laboratory Medicine, University of Washington
Classification: Likely benign for Hereditary cancer-predisposing syndrome. Last evaluated: 2023-03-23. Review status: criteria provided, single submitter. Criteria: Dines et al. (Genet Med. 2020). Collection method: curation. Allele origin: germline.
Comment: Missense variant in a coldspot region where missense variants are very unlikely to be pathogenic (PMID:31911673).

BRCA2 exon 11 coldspot. Reclassification based on statistical prior probability.

Mendelics
Classification: Uncertain significance. Last evaluated: 2022-05-04. Review status: criteria provided, single submitter. Criteria: Mendelics Assertion Criteria 2019. Collection method: clinical testing. Allele origin: germline.

Genetics Program, Instituto Nacional de Cancer
Classification: Uncertain significance for Hereditary breast ovarian cancer syndrome. Last evaluated: 2021-11-01. Review status: criteria provided, single submitter. Criteria: ACMG Guidelines, 2015. Collection method: research. Allele origin: germline. Affected: yes.

Labcorp Genetics (formerly Invitae), Labcorp
Classification: Uncertain significance for Hereditary breast ovarian cancer syndrome. Last evaluated: 2021-09-07. Review status: criteria provided, single submitter. Criteria: Invitae Variant Classification Sherloc (09022015). Collection method: clinical testing. Allele origin: germline.

Literature cited by the submitters: PubMed 36329109 (cited by Genetics Program, Instituto Nacional de Cancer).

NM_000059.4(BRCA2):c.4616T>C (p.Leu1539Ser)

Gene: BRCA2 (BRCA2 DNA repair associated; plus strand). Cytogenetic location: 13q13.1.
Variant type: single nucleotide variant.
Coding change: c.4616T>C on transcript NM_000059.4 (MANE Select); coding-DNA position 4616, T replaced by C.
Protein change: p.Leu1539Ser; replaces leucine 1539 with serine.
Molecular consequence: missense variant.
Genome position (GRCh38, 1-based): chr13:32,338,971, T>C. VCF-style: chr13-32338971-T-C. GRCh37 (hg19) VCF-style: chr13-32913108-T-C.
Other names: short protein forms L1539S.
Identifiers: ClinVar variation 1041702 (VCV001041702.32), dbSNP rs2072509102, ClinGen allele CA387782031.